The following is an entry in ClinVar:

NM_020964.3(EPG5):c.5563C>G (p.Leu1855Val)

Gene: EPG5 (ectopic P-granules 5 autophagy tethering factor; minus strand). Cytogenetic location: 18q12.3.
Variant type: single nucleotide variant.
Coding change: c.5563C>G on transcript NM_020964.3 (MANE Select); coding-DNA position 5563, C replaced by G.
Protein change: p.Leu1855Val; replaces leucine 1855 with valine.
Molecular consequence: missense variant.
Genome position (GRCh38, 1-based): chr18:45,880,179, G>C on the plus strand (C>G on the coding strand, the complement: EPG5 is on the minus strand). VCF-style: chr18-45880179-G-C. GRCh37 (hg19) VCF-style: chr18-43460144-G-C.
Other names: short protein forms L1855V.
Identifiers: ClinVar variation 1377097 (VCV001377097.6), dbSNP rs1023469699, ClinGen allele CA299712181.
Genomic context (GRCh38, chr18:45,880,179, plus strand): 5'-CGCCCTCGGTGGACGCTGCCCCCTGCTGGCAGCTGGGGGCGCAGCAGCCCAGGGCTCTCA[G>C]AGTGGCCTTCCAACACTCGGGGCTCAGAAGCTGCTCCGCGGAGCCTGCCAGCAGGGACAG-3'
Protein context (NP_066015.2, residues 1845-1865): LLSPECWKAT[Leu1855Val]RALGCCAPSC

ClinVar aggregate classification (germline): Uncertain significance (1 of 4 stars; one submission).

Conditions:
Vici syndrome (VICIS). Identifiers: Orphanet 1493, MedGen C1855772, MONDO:0009452, OMIM 242840.

Allele frequency attached by ClinVar (database versions not stated): gnomAD exomes below 0.00001.
gnomAD v4.1: 1 of 1,610,688 alleles (0.000062%); highest among the groups gnomAD compares: Non-Finnish European, 0.000085%; no homozygotes.

Submission:

Labcorp Genetics (formerly Invitae), Labcorp
Classification: Uncertain significance for Vici syndrome. Last evaluated: 2022-01-18. Review status: criteria provided, single submitter. Criteria: Invitae Variant Classification Sherloc (09022015). Collection method: clinical testing. Allele origin: germline.
Comment: This sequence change replaces leucine, which is neutral and non-polar, with valine, which is neutral and non-polar, at codon 1855 of the EPG5 protein (p.Leu1855Val). This variant is not present in population databases (gnomAD no frequency). This variant has not been reported in the literature in individuals affected with EPG5-related conditions. Algorithms developed to predict the effect of missense changes on protein structure and function are either unavailable or do not agree on the potential impact of this missense change (SIFT: "Deleterious"; PolyPhen-2: "Probably Damaging"; Align-GVGD: "Class C0"). Algorithms developed to predict the effect of sequence changes on RNA splicing suggest that this variant may create or strengthen a splice site. In summary, the available evidence is currently insufficient to determine the role of this variant in disease. Therefore, it has been classified as a Variant of Uncertain Significance.